The following is an entry in ClinVar:

NM_004629.2(FANCG):c.1573del (p.Trp524_Val525insTer)

Gene: FANCG (FA complementation group G; minus strand). Cytogenetic location: 9p13.3.
Variant type: Deletion.
Coding change: c.1573del on transcript NM_004629.2 (MANE Select); coding-DNA position 1573, one base deleted (G; older notation c.1573delG).
Protein change: p.Trp524_Val525insTer.
Molecular consequence: nonsense.
Genome position (GRCh38, 1-based): chr9:35,074,990, C deleted on the plus strand (G on the coding strand, the reverse complement: FANCG is on the minus strand); the first of 3 consecutive C bases (chr9:35,074,990-35,074,992); deleting any one gives the same sequence. VCF-style (leftmost placement, unchanged base first): chr9-35074989-AC-A. GRCh37 (hg19) VCF-style: chr9-35074986-AC-A.
Identifiers: ClinVar variation 657889 (VCV000657889.9), dbSNP rs753485145, ClinGen allele CA5039694.

ClinVar aggregate classification (germline): Pathogenic/Likely pathogenic. Review status: criteria provided, multiple submitters, no conflicts (2 of 4 stars). 2 submissions from 2 submitters: Pathogenic (1); Likely pathogenic (1). Last evaluated 2022-08-01.

Conditions:
Fanconi anemia (FA). Also called: Fanconi's anemia. Identifiers: Orphanet 84, MedGen C0015625, MeSH D005199, MONDO:0019391.
Fanconi anemia complementation group G. Also called: FANCG-Related Fanconi Anemia; Fanconi anemia group G. Identifiers: Orphanet 84, MedGen C3469527, MONDO:0013565, OMIM 614082.

Submissions (2):

Revvity Omics, Revvity
Classification: Likely pathogenic for Fanconi anemia complementation group G. Last evaluated: 2022-08-01. Review status: criteria provided, single submitter. Criteria: ACMG Guidelines, 2015. Collection method: clinical testing. Allele origin: germline.

Labcorp Genetics (formerly Invitae), Labcorp
Classification: Pathogenic for Fanconi anemia. Last evaluated: 2022-06-20. Review status: criteria provided, single submitter. Criteria: Invitae Variant Classification Sherloc (09022015). Collection method: clinical testing. Allele origin: germline.
Comment: Algorithms developed to predict the effect of sequence changes on RNA splicing suggest that this variant may create or strengthen a splice site. For these reasons, this variant has been classified as Pathogenic. ClinVar contains an entry for this variant (Variation ID: 657889). This variant has not been reported in the literature in individuals affected with FANCG-related conditions. This variant is present in population databases (rs753485145, gnomAD 0.0009%). This sequence change creates a premature translational stop signal (p.Val525*) in the FANCG gene. It is expected to result in an absent or disrupted protein product. Loss-of-function variants in FANCG are known to be pathogenic (PMID: 12552564).

Literature cited by the submitters: PubMed 12552564 (cited by Labcorp Genetics (formerly Invitae), Labcorp).